The following is an entry in ClinVar:

NM_014049.5(ACAD9):c.957del (p.Ile319fs)

Genes: ACAD9 (acyl-CoA dehydrogenase family member 9; plus strand), LOC126806807 (BRD4-independent group 4 enhancer GRCh37_chr3:128620937-128622136; plus strand). Cytogenetic location: 3q21.3.
Variant type: Deletion.
Coding change: c.957del on transcript NM_014049.5 (MANE Select); coding-DNA position 957, one base deleted (T; older notation c.957delT).
Protein change: p.Ile319fs; shifts the reading frame from isoleucine 319.
Molecular consequence: frameshift variant. On other transcripts: non-coding transcript variant (1).
Genome position (GRCh38, 1-based): chr3:128,902,627, T deleted; the last of 2 consecutive T bases (chr3:128,902,626-128,902,627); deleting either gives the same sequence. VCF-style (leftmost placement, unchanged base first): chr3-128902625-AT-A. GRCh37 (hg19) VCF-style: chr3-128621468-AT-A.
Other names: short protein forms I319fs.
Identifiers: ClinVar variation 1456169 (VCV001456169.7), dbSNP rs2107656502, ClinGen allele CA2573136489.

ClinVar aggregate classification (germline): Pathogenic/Likely pathogenic. Review status: criteria provided, multiple submitters, no conflicts (2 of 4 stars). 2 submissions from 2 submitters: Pathogenic (1); Likely pathogenic (1). Last evaluated 2023-04-29.

Conditions:
Acyl-CoA dehydrogenase 9 deficiency. Also called: MITOCHONDRIAL COMPLEX I DEFICIENCY, NUCLEAR TYPE 20; Acyl-CoA dehydrogenase family, member 9, deficiency of. Identifiers: Orphanet 99901, MedGen C4747517, MONDO:0012624, OMIM 611126.

Submissions (2):

Baylor Genetics
Classification: Likely pathogenic for Acyl-CoA dehydrogenase 9 deficiency. Last evaluated: 2023-04-29. Review status: criteria provided, single submitter. Criteria: ACMG Guidelines, 2015. Collection method: clinical testing. Allele origin: unknown.

Labcorp Genetics (formerly Invitae), Labcorp
Classification: Pathogenic. Last evaluated: 2021-10-21. Review status: criteria provided, single submitter. Criteria: Invitae Variant Classification Sherloc (09022015). Collection method: clinical testing. Allele origin: germline.
Comment: For these reasons, this variant has been classified as Pathogenic. This variant has not been reported in the literature in individuals affected with ACAD9-related conditions. This variant is not present in population databases (ExAC no frequency). This sequence change creates a premature translational stop signal (p.Ile319Metfs*3) in the ACAD9 gene. It is expected to result in an absent or disrupted protein product. Loss-of-function variants in ACAD9 are known to be pathogenic (PMID: 25721401).

Literature cited by the submitters: PubMed 25721401 (cited by Labcorp Genetics (formerly Invitae), Labcorp).